The following is an entry in ClinVar:

ClinVar aggregate classification (germline): Uncertain significance (1 of 4 stars; one submission).

Conditions:
Primary ciliary dyskinesia. Also called: Ciliary dyskinesia. Identifiers: Orphanet 244, MedGen C0008780, MONDO:0016575, HP:0012265.

Submission:

Labcorp Genetics (formerly Invitae), Labcorp
Classification: Uncertain significance for Primary ciliary dyskinesia. Last evaluated: 2022-05-28. Review status: criteria provided, single submitter. Criteria: Invitae Variant Classification Sherloc (09022015). Collection method: clinical testing. Allele origin: germline.
Comment: In summary, the available evidence is currently insufficient to determine the role of this variant in disease. Therefore, it has been classified as a Variant of Uncertain Significance. Algorithms developed to predict the effect of missense changes on protein structure and function (SIFT, PolyPhen-2, Align-GVGD) all suggest that this variant is likely to be tolerated. This variant has not been reported in the literature in individuals affected with CCNO-related conditions. This variant is not present in population databases (gnomAD no frequency). This sequence change replaces serine, which is neutral and polar, with proline, which is neutral and non-polar, at codon 66 of the CCNO protein (p.Ser66Pro).

NM_021147.5(CCNO):c.196T>C (p.Ser66Pro)

Gene: CCNO (cyclin O; minus strand). Cytogenetic location: 5q11.2.
Variant type: single nucleotide variant.
Coding change: c.196T>C on transcript NM_021147.5 (MANE Select); coding-DNA position 196, T replaced by C.
Protein change: p.Ser66Pro; replaces serine 66 with proline.
Molecular consequence: missense variant. On other transcripts: non-coding transcript variant (2).
Genome position (GRCh38, 1-based): chr5:55,233,328, A>G on the plus strand (T>C on the coding strand, the complement: CCNO is on the minus strand). VCF-style: chr5-55233328-A-G. GRCh37 (hg19) VCF-style: chr5-54529156-A-G.
Other names: short protein forms S66P.
Identifiers: ClinVar variation 2000171 (VCV002000171.4), dbSNP rs1488154964, ClinGen allele CA359725034.